The following is an entry in ClinVar:

NC_000015.9:g.(28538169_28544547)_(28544663_28566507)dup

Gene: HERC2 (HECT and RLD domain containing E3 ubiquitin protein ligase 2; minus strand). Cytogenetic location: 15q13.1.
Variant type: Duplication.
Identifiers: ClinVar variation 2506308 (VCV002506308.2).

ClinVar aggregate classification (germline): Likely pathogenic (1 of 4 stars; one submission).

Conditions:
Developmental delay with autism spectrum disorder and gait instability (MRT38). Also called: Intellectual developmental disorder, autosomal recessive 38. Identifiers: Orphanet 329195, MedGen C3809753, MONDO:0014224, OMIM 615516.

Submission:

Women's Health and Genetics/Laboratory Corporation of America, LabCorp
Classification: Likely pathogenic for Developmental delay with autism spectrum disorder and gait instability. Last evaluated: 2025-11-18. Review status: criteria provided, single submitter. Criteria: LabCorp Variant Classification Summary - May 2015. Collection method: clinical testing. Allele origin: germline.
Comment: Variant summary: The variant involves the duplication of exon 3 in the HERC2 gene. A presumed nomenclature of c.(72+1_73-1)_(187+1_188-1)dup has been designated for the purposes of this classification. It is assumed to be a tandem duplication in direct orientation (PMIDs: 25640679, 30054569). This Copy Number Variant (CNV) is expected to alter the reading frame and predicted to result in a truncation or absence of the encoded protein due to nonsense mediated decay (NMD). Loss-of-function variants in this gene are known to be pathogenic. The variant was absent in 21652 control chromosomes. To our knowledge, no occurrence of c.(72+1_73-1)_(187+1_188-1)dup in individuals affected with HERC2-related conditions and no experimental evidence demonstrating its impact on protein function have been reported. ClinVar contains an entry for this variant (Variation ID: 2425199). Based on the evidence outlined above, the variant was classified as likely pathogenic.